The following is an entry in ClinVar:

ClinVar aggregate classification (germline): Benign/Likely benign. Review status: criteria provided, multiple submitters, no conflicts (2 of 4 stars). 3 submissions from 3 submitters: Benign (2); Likely benign (1). Last evaluated 2025-11-05.

Conditions:
CHD5-related disorder. Also called: CHD5-related condition.

Allele frequency attached by ClinVar (database versions not stated): gnomAD exomes 0.00018 and 0.00036; ExAC 0.00043; ESP Exome Variant Server 0.00115; TOPMed 0.00149; gnomAD 0.00152 and 0.00158; 1000 Genomes Project 0.00220; 1000 Genomes Project 30x 0.00234.
gnomAD v4.1: 497 of 1,613,812 alleles (0.031%); highest among the groups gnomAD compares: African/African-American, 0.53%; no homozygotes.

Submissions (3):

PreventionGenetics, part of Exact Sciences
Classification: Likely benign for CHD5-related condition. Last evaluated: 2025-11-05. Review status: criteria provided, single submitter. Criteria: ACMG Guidelines, 2015. Collection method: clinical testing. Allele origin: germline.
Comment: This variant is classified as likely benign based on ACMG/AMP sequence variant interpretation guidelines (Richards et al. 2015 PMID: 25741868, with internal and published modifications).

CeGaT Center for Human Genetics Tuebingen
Classification: Benign. Last evaluated: 2022-09-01. Review status: criteria provided, single submitter. Criteria: CeGaT Center For Human Genetics Tuebingen Variant Classification Criteria Version 2. Collection method: clinical testing. Allele origin: germline. Affected: yes. Observed: 1 variant allele.
Comment: CHD5: BS1, BS2

Labcorp Genetics (formerly Invitae), Labcorp
Classification: Benign. Last evaluated: 2018-04-10. Review status: criteria provided, single submitter. Criteria: Invitae Variant Classification Sherloc (09022015). Collection method: clinical testing. Allele origin: germline.

NM_015557.3(CHD5):c.5127C>T (p.Asp1709=)

Gene: CHD5 (chromodomain helicase DNA binding protein 5; minus strand). Cytogenetic location: 1p36.31.
Variant type: single nucleotide variant.
Coding change: c.5127C>T on transcript NM_015557.3 (MANE Select); coding-DNA position 5127, C replaced by T.
Protein change: p.Asp1709=; no amino-acid change (aspartic acid 1709 retained).
Molecular consequence: synonymous variant.
Genome position (GRCh38, 1-based): chr1:6,112,153, G>A on the plus strand (C>T on the coding strand, the complement: CHD5 is on the minus strand). VCF-style: chr1-6112153-G-A. GRCh37 (hg19) VCF-style: chr1-6172213-G-A.
Identifiers: ClinVar variation 742511 (VCV000742511.28), dbSNP rs115365176, ClinGen allele CA555908.